The following continues an entry in ClinVar:

NM_000051.4(ATM):c.6154G>A (p.Glu2052Lys)

ClinVar aggregate classification (germline): Conflicting classifications of pathogenicity. Pathogenic (2); Likely pathogenic (19); Uncertain significance (5).

Submissions 19 to 27 of 29:

Sema4
Classification: Likely pathogenic for Hereditary cancer-predisposing syndrome. Last evaluated: 2022-02-03. Review status: criteria provided, single submitter. Criteria: Sema4 Curation Guidelines. Collection method: curation. Allele origin: germline.
Comment: The ATM c.6154G>A (p.E2052K) variant has been reported as homozygous in an individual with ataxia telangiectasia (PMID: 10330348) as well as in multiple compound heterozygous individuals with atypical forms ataxia telangiectasia, isolated segmental dystonia, and dyskinesia (PMID: 31216378, 31407689, 23946315, 30363071). It has also been reported in heterozygosity in multiple individuals with breast and/or ovarian cancer (PMID: 33919281, 34606182, 32068069, 32125938, 31125277, 32860008, 24853695, 29470806) and prostate cancer (PMID: 34653963), although strong evidence supporting a pathogenic effect related to a cancer phenotype is limited. An experimental study using a cell line derived from an A-T affected individual homozygous for this variant has shown that the RNA transcript was missing the exon 44 and loss of ATM protein (PMID: 10330348). Loss-of-function variants in ATM are known to be pathogenic (PMID: 21665257, 25614872). This variant was observed in 12/30778 chromosomes in the South Asian population, with no homozygotes, according to the Genome Aggregation Database (PMID: 32461654). The variant has been reported in ClinVar (Variation ID 181975). Therefore, taking all available lines of evidence into consideration, the variant is classified as likely pathogenic.

Women's Health and Genetics/Laboratory Corporation of America, LabCorp
Classification: Likely pathogenic for Ataxia-telangiectasia syndrome. Last evaluated: 2021-02-23. Review status: criteria provided, single submitter. Criteria: LabCorp Variant Classification Summary - May 2015. Collection method: clinical testing. Allele origin: germline.
Comment: Variant summary: ATM c.6154G>A (p.Glu2052Lys) results in a conservative amino acid change located in the PIK-related kinase domain (IPR014009) of the encoded protein sequence. Three of five in-silico tools predict a benign effect of the variant on protein function. Though 4/4 computational tools predicted no significant impact on normal splicing, one publication reported that in a patient derived lymphoblastoid cell line (LCL), which had the variant in homozygous state, only ATM transcripts with exon 42 skipping (exon 44 in the report) could be detected (Teraoka_1999). However, authors also noted that several cases of exon skipping in both normal controls and patients for whom no underlying defect could be found in genomic DNA were also observed, suggesting caution in the interpretation of their data. This exon deletion is predicted to result in a frameshift at the protein level, and authors of the study noted that they couldn't demonstrate any ATM protein on a Western blot from the lysates of this cell line (data were not shown; Teraoka_1999). The variant allele was found at a frequency of 5.7e-05 in 282788 control chromosomes, predominantly at a frequency of 0.0004 within the South Asian subpopulation in the gnomAD database. However, the variant was reported with an even higher frequency (0.001) in Indian subpopulations (i.e. found in 6/2793 healthy heterozygous individuals; see Narang_2020 and LOVD). These frequencies are somewhat lower than the maximum expected for a pathogenic variant in ATM causing Ataxia-Telangiectasia (0.004), allowing no clear conclusions about variant significance. This variant, c.6154G>A, has been observed with a second pathogenic ATM variant in trans in several individuals who had a milder phenotype of ataxia telangiectasia (e.g. Charlesworth_2013, Necpal_2018, Rudenskaya_2019, Carecchio_2019); these patients typically had segmental dystonia in some cases with conjunctival telangiectasia, a phenotype corresponding to variant ataxia telangiectasia, characteristic to missense mutations that leave some residual ATM kinase activity (see e.g. PMID 30549301). Seven submitters have provided clinical-significance assessments for this variant in ClinVar after 2014, and classified the variant with conflicting assessments, i.e. as pathogenic (n=1) / likely pathogenic (n=3) or VUS (n=3). Based on the evidence outlined above, the variant was classified as likely pathogenic for a milder phenotype of ataxia telangiectasia.

Genetic Services Laboratory, University of Chicago
Classification: Likely pathogenic. Last evaluated: 2020-04-28. Review status: criteria provided, single submitter. Criteria: ACMG Guidelines, 2015. Collection method: clinical testing. Allele origin: germline. Affected: yes.
Comment: DNA sequence analysis of the ATM gene demonstrated a sequence change, c.6154G>A, in exon 42 that results in an amino acid change, p.Glu2052Lys. This sequence change has been described in few individuals with breast cancer but no additional evidence was provided in these studies to assess its pathogenicity (PMIDs: 27616075, 29470806, 31125277). It has also been described in a compound heterozygous state with a different pathogenic truncating variant in two families with Dopa-responsive dystonia and isolated craniocervical dystonia respectively (PMIDs: 23946315, 30363071). Teraoka et al., 1999 described this change in the homozygous state in an individual with ataxia-telangiectasia (AT). Functional studies performed by this group revealed absence of ATM protein by Western blotting and ATM transcripts with missing exon 44 (PMID: 10330348). They postulated that the variant may cause defective splicing by disrupting the formation of the spliceosome as this variant does not affect any known splicing-control motif. This sequence change has been described in the gnomAD database with a low population frequency of 0.039% in the South Asian subpopulation (dbSNP rs202206540). The p.Glu2052Lys change affects a moderately conserved amino acid residue located in a domain of the ATM protein that is known to be functional. In-silico pathogenicity prediction tools (SIFT, PolyPhen2, Align GVGD, REVEL) provide contradictory results for the p.Glu2052Lys substitution. This sequence change is likely to be pathogenic in relation to an autosomal recessive Ataxia-telangiectasia variant phenotype; however, its possible contribution to an autosomal dominant hereditary cancer predisposition phenotype is unclear.

Athena Diagnostics
Classification: Uncertain significance. Last evaluated: 2019-10-28. Review status: criteria provided, single submitter. Criteria: Athena Diagnostics Criteria. Collection method: clinical testing. Allele origin: unknown.

Quest Diagnostics Nichols Institute San Juan Capistrano
Classification: Uncertain significance. Last evaluated: 2019-10-28. Review status: criteria provided, single submitter. Criteria: Quest Diagnostics criteria. Collection method: clinical testing. Allele origin: unknown.
Comment: In the published literature, this variant has been reported in individuals with breast cancer (PMIDs: 27616075 (2016), 29470806 (2018), 30128536 (2018), 32125938 (2020), 32860008 (2020), 33919281 (2021), 34606182 (2021), 35734982 (2022)), prostate cancer (PMID: 32832836 (2020)), and healthy individuals (PMID: 36243179 (2023), and FLOSSIES). Additionally, this variant has been seen in individuals with ataxia telangiectasia (AT) both homozygously (PMID: 10330348 (1999)) and compound heterozygously with additional pathogenic variants in the ATM gene (PMIDs: 31407689 (2019), 35154108 (2022)). Experimental studies are inconclusive on the variant's impact on proper protein function (PMID: 10330348 (1999), 35154108 (2022)). The frequency of this variant in the general population, 0.00039 (12/30612 chromosomes in South Asian subpopulation (Genome Aggregation Database)), is higher than would generally be expected for pathogenic variants in this gene. Analysis of this variant using bioinformatics tools for the prediction of the effect of amino acid changes on protein structure and function yielded predictions that this variant is damaging. Based on the available information, we are unable to determine the clinical significance of this variant.

Institute of Human Genetics Munich, TUM University Hospital
Classification: Likely pathogenic for Ataxia-telangiectasia syndrome. Last evaluated: 2019-06-13. Review status: criteria provided, single submitter. Criteria: Classification criteria August 2017. Collection method: clinical testing. Allele origin: maternal. Inheritance: Autosomal recessive inheritance. Affected: yes. Observed: 1 compound heterozygote.

Baylor Genetics
Classification: Likely pathogenic for Ataxia-telangiectasia syndrome. Review status: criteria provided, single submitter. Criteria: ACMG Guidelines, 2015. Collection method: clinical testing. Allele origin: unknown.

CENTOGENE GmbH and LLC - Guiding Precision Medicine
Classification: Pathogenic for Familial cancer of breast. Review status: criteria provided, single submitter. Criteria: ACMG Guidelines, 2015. Collection method: clinical testing. Allele origin: germline. Affected: yes.

Clinical Genetics DNA and cytogenetics Diagnostics Lab, Erasmus MC, Erasmus Medical Center
Classification: Uncertain significance. Review status: no assertion criteria provided. Collection method: clinical testing. Allele origin: germline. Affected: yes. Study: VKGL Data-share Consensus. Not counted in ClinVar's aggregate classification.